The following is an entry in ClinVar:

NM_000246.4(CIITA):c.2077G>C (p.Gly693Arg)

Gene: CIITA (class II major histocompatibility complex transactivator; plus strand). Cytogenetic location: 16p13.13.
Variant type: single nucleotide variant.
Coding change: c.2077G>C on transcript NM_000246.4 (MANE Select); coding-DNA position 2077, G replaced by C.
Protein change: p.Gly693Arg; replaces glycine 693 with arginine.
Molecular consequence: missense variant. On other transcripts: intron variant (1).
Genome position (GRCh38, 1-based): chr16:10,907,569, G>C. VCF-style: chr16-10907569-G-C. GRCh37 (hg19) VCF-style: chr16-11001426-G-C.
Other names: c.2080G>C, p.Gly694Arg (NM_001286402.1, NM_001379332.1); c.1933G>C, p.Gly645Arg (NM_001379330.1); c.1930G>C, p.Gly644Arg (NM_001379331.1); c.2077G>C, p.Gly693Arg (NM_001379333.1); c.2008G>C, p.Gly670Arg (NM_001379334.1); c.860-1414G>C (NM_001286403.2); short protein forms G644R, G645R, G670R, G693R, G694R.
Identifiers: ClinVar variation 1716301 (VCV001716301.3), dbSNP rs761411956, ClinGen allele CA394732345.

ClinVar aggregate classification (germline): Uncertain significance (1 of 4 stars; one submission).

Conditions:
MHC class II deficiency. Also called: Bare lymphocyte syndrome 2; BLS, TYPE II. Identifiers: Orphanet 572, MedGen C5447452, MONDO:0008855.

Submission:

Labcorp Genetics (formerly Invitae), Labcorp
Classification: Uncertain significance for MHC class II deficiency. Last evaluated: 2022-08-13. Review status: criteria provided, single submitter. Criteria: Invitae Variant Classification Sherloc (09022015). Collection method: clinical testing. Allele origin: germline.
Comment: This sequence change replaces glycine, which is neutral and non-polar, with arginine, which is basic and polar, at codon 693 of the CIITA protein (p.Gly693Arg). This variant is not present in population databases (gnomAD no frequency). This variant has not been reported in the literature in individuals affected with CIITA-related conditions. Algorithms developed to predict the effect of missense changes on protein structure and function are either unavailable or do not agree on the potential impact of this missense change (SIFT: "Deleterious"; PolyPhen-2: "Probably Damaging"; Align-GVGD: "Class C0"). In summary, the available evidence is currently insufficient to determine the role of this variant in disease. Therefore, it has been classified as a Variant of Uncertain Significance.